The following is an entry in ClinVar:

ClinVar aggregate classification (germline): Uncertain significance (1 of 4 stars; one submission).

Conditions:
Charcot-Marie-Tooth disease dominant intermediate E. Also called: CHARCOT-MARIE-TOOTH NEUROPATHY WITH FOCAL SEGMENTAL GLOMERULONEPHRITIS. Identifiers: Orphanet 93114, MedGen C4302667, MONDO:0013758, OMIM 614455.
Focal segmental glomerulosclerosis 5 (FSGS5). Identifiers: Orphanet 656, MedGen C2750475, MONDO:0013191, OMIM 613237.

Allele frequency attached by ClinVar (database versions not stated): gnomAD exomes below 0.00001.
gnomAD v4.1: 1 of 1,612,634 alleles (0.000062%); highest among the groups gnomAD compares: Non-Finnish European, 0.000085%; no homozygotes.

Submission:

Labcorp Genetics (formerly Invitae), Labcorp
Classification: Uncertain significance for Charcot-Marie-Tooth disease dominant intermediate E; Focal segmental glomerulosclerosis 5. Last evaluated: 2022-10-27. Review status: criteria provided, single submitter. Criteria: Invitae Variant Classification Sherloc (09022015). Collection method: clinical testing. Allele origin: germline.
Comment: In summary, the available evidence is currently insufficient to determine the role of this variant in disease. Therefore, it has been classified as a Variant of Uncertain Significance. Advanced modeling of protein sequence and biophysical properties (such as structural, functional, and spatial information, amino acid conservation, physicochemical variation, residue mobility, and thermodynamic stability) performed at Invitae indicates that this missense variant is not expected to disrupt INF2 protein function. This variant has not been reported in the literature in individuals affected with INF2-related conditions. This variant is present in population databases (no rsID available, gnomAD 0.0009%). This sequence change replaces serine, which is neutral and polar, with proline, which is neutral and non-polar, at codon 842 of the INF2 protein (p.Ser842Pro).

NM_022489.4(INF2):c.2524T>C (p.Ser842Pro)

Gene: INF2 (inverted formin 2; plus strand). Cytogenetic location: 14q32.33.
Variant type: single nucleotide variant.
Coding change: c.2524T>C on transcript NM_022489.4 (MANE Select); coding-DNA position 2524, T replaced by C.
Protein change: p.Ser842Pro; replaces serine 842 with proline.
Molecular consequence: missense variant.
Genome position (GRCh38, 1-based): chr14:104,712,467, T>C. VCF-style: chr14-104712467-T-C. GRCh37 (hg19) VCF-style: chr14-105178804-T-C.
Other names: c.2524T>C, p.Ser842Pro (NM_001031714.4, NM_001426862.1, NM_001426863.1 and 2 more transcripts); short protein forms S842P.
Identifiers: ClinVar variation 2941050 (VCV002941050.3), dbSNP rs1469566514, ClinGen allele CA391221728.